The following is an entry in ClinVar:

NM_032119.4(ADGRV1):c.4049A>C (p.Asn1350Thr)

Gene: ADGRV1 (adhesion G protein-coupled receptor V1; plus strand). Cytogenetic location: 5q14.3.
Variant type: single nucleotide variant.
Coding change: c.4049A>C on transcript NM_032119.4 (MANE Select); coding-DNA position 4049, A replaced by C.
Protein change: p.Asn1350Thr; replaces asparagine 1350 with threonine.
Molecular consequence: missense variant. On other transcripts: non-coding transcript variant (1).
Genome position (GRCh38, 1-based): chr5:90,653,623, A>C. VCF-style: chr5-90653623-A-C. GRCh37 (hg19) VCF-style: chr5-89949440-A-C.
Other names: short protein forms N1350T.
Identifiers: ClinVar variation 2007360 (VCV002007360.4), dbSNP rs2532089490, ClinGen allele CA360401040.

ClinVar aggregate classification (germline): Uncertain significance (1 of 4 stars; one submission).

Allele frequency attached by ClinVar (database versions not stated): gnomAD exomes below 0.00001.
gnomAD v4.1: 1 of 1,613,656 alleles (0.000062%); highest among the groups gnomAD compares: Non-Finnish European, 0.000085%; no homozygotes.

Submission:

Labcorp Genetics (formerly Invitae), Labcorp
Classification: Uncertain significance. Last evaluated: 2024-04-17. Review status: criteria provided, single submitter. Criteria: Invitae Variant Classification Sherloc (09022015). Collection method: clinical testing. Allele origin: germline.
Comment: This sequence change replaces asparagine, which is neutral and polar, with threonine, which is neutral and polar, at codon 1350 of the ADGRV1 protein (p.Asn1350Thr). This variant is not present in population databases (gnomAD no frequency). This variant has not been reported in the literature in individuals affected with ADGRV1-related conditions. ClinVar contains an entry for this variant (Variation ID: 2007360). Advanced modeling of protein sequence and biophysical properties (such as structural, functional, and spatial information, amino acid conservation, physicochemical variation, residue mobility, and thermodynamic stability) performed at Invitae indicates that this missense variant is not expected to disrupt ADGRV1 protein function with a negative predictive value of 95%. In summary, the available evidence is currently insufficient to determine the role of this variant in disease. Therefore, it has been classified as a Variant of Uncertain Significance.